The following is an entry in ClinVar:

NM_001252024.2(TRPM1):c.790+2T>C

Gene: TRPM1 (transient receptor potential cation channel subfamily M member 1; minus strand). Cytogenetic location: 15q13.3.
Variant type: single nucleotide variant.
Coding change: c.790+2T>C on transcript NM_001252024.2 (MANE Select); the canonical splice donor site of the intron after coding-DNA position 790, T replaced by C.
Molecular consequence: splice donor variant.
Genome position (GRCh38, 1-based): chr15:31,066,074, A>G on the plus strand (T>C on the coding strand, the complement: TRPM1 is on the minus strand). VCF-style: chr15-31066074-A-G. GRCh37 (hg19) VCF-style: chr15-31358277-A-G.
Other names: c.841+2T>C (NM_001252020.2); c.724+2T>C (NM_002420.6).
Identifiers: ClinVar variation 1995100 (VCV001995100.4), dbSNP rs2504210003, ClinGen allele CA391531350.

ClinVar aggregate classification (germline): Likely pathogenic (1 of 4 stars; one submission).

Allele frequency attached by ClinVar (database versions not stated): gnomAD exomes below 0.00001.
gnomAD v4.1: 1 of 1,613,860 alleles (0.000062%); highest among the groups gnomAD compares: Non-Finnish European, 0.000085%; no homozygotes.

Submission:

Labcorp Genetics (formerly Invitae), Labcorp
Classification: Likely pathogenic. Last evaluated: 2022-10-04. Review status: criteria provided, single submitter. Criteria: Invitae Variant Classification Sherloc (09022015). Collection method: clinical testing. Allele origin: germline.
Comment: In summary, the currently available evidence indicates that the variant is pathogenic, but additional data are needed to prove that conclusively. Therefore, this variant has been classified as Likely Pathogenic. Algorithms developed to predict the effect of sequence changes on RNA splicing suggest that this variant may disrupt the consensus splice site. This variant has not been reported in the literature in individuals affected with TRPM1-related conditions. This variant is not present in population databases (gnomAD no frequency). This sequence change affects a donor splice site in intron 6 of the TRPM1 gene. It is expected to disrupt RNA splicing. Variants that disrupt the donor or acceptor splice site typically lead to a loss of protein function (PMID: 16199547), and loss-of-function variants in TRPM1 are known to be pathogenic (PMID: 19896113, 19966281, 20300565).

Literature cited by the submitters: PubMed 16199547; PubMed 19896113; PubMed 19966281; PubMed 20300565.